The following is an entry in ClinVar:

NM_000308.4(CTSA):c.1096G>A (p.Val366Ile)

Gene: CTSA (cathepsin A; plus strand). Cytogenetic location: 20q13.12.
Variant type: single nucleotide variant.
Coding change: c.1096G>A on transcript NM_000308.4 (MANE Select); coding-DNA position 1096, G replaced by A.
Protein change: p.Val366Ile; replaces valine 366 with isoleucine.
Molecular consequence: missense variant. On other transcripts: non-coding transcript variant (1).
Genome position (GRCh38, 1-based): chr20:45,896,972, G>A. VCF-style: chr20-45896972-G-A. GRCh37 (hg19) VCF-style: chr20-44525611-G-A.
Other names: c.1096G>A, p.Val366Ile (NM_001127695.3); c.1045G>A, p.Val349Ile (NM_001167594.3); short protein forms V366I, V349I.
Identifiers: ClinVar variation 1914516 (VCV001914516.2), dbSNP rs369583698, ClinGen allele CA9883289.

ClinVar aggregate classification (germline): Uncertain significance (1 of 4 stars; one submission).

Conditions:
Combined deficiency of sialidase AND beta galactosidase (GSL). Also called: GOLDBERG SYNDROME; NEURAMINIDASE DEFICIENCY WITH BETA-GALACTOSIDASE DEFICIENCY; NEURAMINIDASE/BETA-GALACTOSIDASE EXPRESSION; PPCA DEFICIENCY; PROTECTIVE PROTEIN/CATHEPSIN A DEFICIENCY; CATHEPSIN A DEFICIENCY. Identifiers: Orphanet 351, MedGen C0268233, MONDO:0009737, OMIM 256540.

Allele frequency attached by ClinVar (database versions not stated): gnomAD exomes below 0.00001; ExAC 0.00001; gnomAD 0.00001; TOPMed 0.00001; ESP Exome Variant Server 0.00008.

Submission:

Labcorp Genetics (formerly Invitae), Labcorp
Classification: Uncertain significance for Combined deficiency of sialidase AND beta galactosidase. Last evaluated: 2022-04-12. Review status: criteria provided, single submitter. Criteria: Invitae Variant Classification Sherloc (09022015). Collection method: clinical testing. Allele origin: germline.
Comment: This sequence change replaces valine, which is neutral and non-polar, with isoleucine, which is neutral and non-polar, at codon 384 of the CTSA protein (p.Val384Ile). This variant is present in population databases (rs369583698, gnomAD 0.002%). This variant has not been reported in the literature in individuals affected with CTSA-related conditions. Algorithms developed to predict the effect of missense changes on protein structure and function are either unavailable or do not agree on the potential impact of this missense change (SIFT: "Not Available"; PolyPhen-2: "Benign"; Align-GVGD: "Not Available"). In summary, the available evidence is currently insufficient to determine the role of this variant in disease. Therefore, it has been classified as a Variant of Uncertain Significance.